The following is an entry in ClinVar:

ClinVar aggregate classification (germline): Uncertain significance (1 of 4 stars; one submission).

Conditions:
Hyperphosphatasia with intellectual disability syndrome 5 (GPIBD11). Also called: GLYCOSYLPHOSPHATIDYLINOSITOL BIOSYNTHESIS DEFECT 11. Identifiers: Orphanet 247262, MedGen C4014958, MONDO:0014457, OMIM 616025.

Submission:

Labcorp Genetics (formerly Invitae), Labcorp
Classification: Uncertain significance for Hyperphosphatasia with intellectual disability syndrome 5. Last evaluated: 2023-10-03. Review status: criteria provided, single submitter. Criteria: Invitae Variant Classification Sherloc (09022015). Collection method: clinical testing. Allele origin: germline.
Comment: This sequence change replaces alanine, which is neutral and non-polar, with glycine, which is neutral and non-polar, at codon 379 of the PIGW protein (p.Ala379Gly). This variant is not present in population databases (gnomAD no frequency). This variant has not been reported in the literature in individuals affected with PIGW-related conditions. ClinVar contains an entry for this variant (Variation ID: 1363759). Advanced modeling of protein sequence and biophysical properties (such as structural, functional, and spatial information, amino acid conservation, physicochemical variation, residue mobility, and thermodynamic stability) performed at Invitae indicates that this missense variant is not expected to disrupt PIGW protein function. In summary, the available evidence is currently insufficient to determine the role of this variant in disease. Therefore, it has been classified as a Variant of Uncertain Significance.

NM_001346754.2(PIGW):c.1136C>G (p.Ala379Gly)

Genes: MYO19 (myosin XIX; minus strand), PIGW (phosphatidylinositol glycan anchor biosynthesis class W; plus strand). Cytogenetic location: 17q12.
Variant type: single nucleotide variant.
Coding change: c.1136C>G on transcript NM_001346754.2 (MANE Select); coding-DNA position 1136, C replaced by G.
Protein change: p.Ala379Gly; replaces alanine 379 with glycine.
Molecular consequence: missense variant.
Genome position (GRCh38, 1-based): chr17:36,538,237, C>G. VCF-style: chr17-36538237-C-G. GRCh37 (hg19) VCF-style: chr17-34894086-C-G.
Other names: c.1136C>G, p.Ala379Gly (NM_001346755.2, NM_178517.5); short protein forms A379G.
Identifiers: ClinVar variation 1363759 (VCV001363759.8), dbSNP rs1183657483, ClinGen allele CA399164325.
Genomic context (GRCh38, chr17:36,538,237, plus strand): 5'-TAAATGTAGAAGCAGTATCTCGAAGAATGGCAAATTTAGCCTTTTGTATTTGGATAGTTG[C>G]TTCTAGCCTGATCCTTCTTAGTAGTTTATTACTGGGTGATATAATTTTGAGTTTTGCCAA-3'
Protein context (NP_001333683.1, residues 369-389): ANLAFCIWIV[Ala379Gly]SSLILLSSLL